The following is an entry in ClinVar:

ClinVar aggregate classification (germline): Uncertain significance (1 of 4 stars; one submission).

Conditions:
Telangiectasia, hereditary hemorrhagic, type 5 (HHT5). Identifiers: Orphanet 774, MedGen C3809710, MONDO:0014217, OMIM 615506.

Allele frequency attached by ClinVar (database versions not stated): gnomAD exomes 0.00001; TOPMed 0.00001; gnomAD 0.00002.

Submission:

Labcorp Genetics (formerly Invitae), Labcorp
Classification: Uncertain significance for Telangiectasia, hereditary hemorrhagic, type 5. Last evaluated: 2023-08-01. Review status: criteria provided, single submitter. Criteria: Invitae Variant Classification Sherloc (09022015). Collection method: clinical testing. Allele origin: germline.
Comment: In summary, the available evidence is currently insufficient to determine the role of this variant in disease. Therefore, it has been classified as a Variant of Uncertain Significance. Algorithms developed to predict the effect of missense changes on protein structure and function output the following: SIFT: "Not Available"; PolyPhen-2: "Benign"; Align-GVGD: "Not Available". The threonine amino acid residue is found in multiple mammalian species, which suggests that this missense change does not adversely affect protein function. This variant has not been reported in the literature in individuals affected with GDF2-related conditions. This variant is not present in population databases (gnomAD no frequency). This sequence change replaces alanine, which is neutral and non-polar, with threonine, which is neutral and polar, at codon 33 of the GDF2 protein (p.Ala33Thr).

NM_016204.4(GDF2):c.97G>A (p.Ala33Thr)

Gene: GDF2 (growth differentiation factor 2; plus strand). Cytogenetic location: 10q11.22.
Variant type: single nucleotide variant.
Coding change: c.97G>A on transcript NM_016204.4 (MANE Select); coding-DNA position 97, G replaced by A.
Protein change: p.Ala33Thr; replaces alanine 33 with threonine.
Molecular consequence: missense variant.
Genome position (GRCh38, 1-based): chr10:47,322,765, G>A. VCF-style: chr10-47322765-G-A. GRCh37 (hg19) VCF-style: chr10-48416597-C-T.
Other names: short protein forms A33T.
Identifiers: ClinVar variation 2727298 (VCV002727298.1), dbSNP rs1276127561, ClinGen allele CA376652039.
Genomic context (GRCh38, chr10:47,322,765, plus strand): 5'-CTGTCCCTGCTGGCTGGCTCCCTACAGGGGAAGCCACTGCAGAGCTGGGGACGAGGGTCT[G>A]CTGGGGGAAACGCCCACAGCCCACTGGGGGTGCCTGGAGGTGGGCTGCCTGAGCACACCT-3'
Protein context (NP_057288.1, residues 23-43): KPLQSWGRGS[Ala33Thr]GGNAHSPLGV